The following is an entry in ClinVar:

NM_001365088.1(SLC12A6):c.1856C>A (p.Pro619His)

Gene: SLC12A6 (solute carrier family 12 member 6; minus strand). Cytogenetic location: 15q14.
Variant type: single nucleotide variant.
Coding change: c.1856C>A on transcript NM_001365088.1 (MANE Select); coding-DNA position 1856, C replaced by A.
Protein change: p.Pro619His; replaces proline 619 with histidine.
Molecular consequence: missense variant.
Genome position (GRCh38, 1-based): chr15:34,245,372, G>T on the plus strand (C>A on the coding strand, the complement: SLC12A6 is on the minus strand). VCF-style: chr15-34245372-G-T. GRCh37 (hg19) VCF-style: chr15-34537573-G-T.
Other names: c.1679C>A, p.Pro560His (NM_001042494.2, NM_001042495.2); c.1829C>A, p.Pro610His (NM_001042496.2); c.1811C>A, p.Pro604His (NM_001042497.2); c.1703C>A, p.Pro568His (NM_005135.2); c.1856C>A, p.Pro619His (NM_133647.2); short protein forms P604H, P560H, P610H, P568H, P619H.
Identifiers: ClinVar variation 2852549 (VCV002852549.3), dbSNP rs2509780446, ClinGen allele CA391620877.

ClinVar aggregate classification (germline): Uncertain significance (1 of 4 stars; one submission).

Submission:

Labcorp Genetics (formerly Invitae), Labcorp
Classification: Uncertain significance. Last evaluated: 2024-10-29. Review status: criteria provided, single submitter. Criteria: Invitae Variant Classification Sherloc (09022015). Collection method: clinical testing. Allele origin: germline.
Comment: This sequence change replaces proline, which is neutral and non-polar, with histidine, which is basic and polar, at codon 619 of the SLC12A6 protein (p.Pro619His). This variant is not present in population databases (gnomAD no frequency). This variant has not been reported in the literature in individuals affected with SLC12A6-related conditions. ClinVar contains an entry for this variant (Variation ID: 2852549). Invitae Evidence Modeling of protein sequence and biophysical properties (such as structural, functional, and spatial information, amino acid conservation, physicochemical variation, residue mobility, and thermodynamic stability) indicates that this missense variant is expected to disrupt SLC12A6 protein function with a positive predictive value of 80%. In summary, the available evidence is currently insufficient to determine the role of this variant in disease. Therefore, it has been classified as a Variant of Uncertain Significance.